The following is an entry in ClinVar:

ClinVar aggregate classification (germline): Conflicting classifications of pathogenicity. Review status: criteria provided, conflicting classifications (1 of 4 stars). 8 submissions from 8 submitters: Uncertain significance (5); Likely benign (1). 2 of the submissions do not count toward it. Last evaluated 2025-12-16.

Conditions:
Hereditary cancer-predisposing syndrome. Also called: Hereditary Cancer Syndrome; Neoplastic Syndromes, Hereditary; Tumor predisposition; Hereditary neoplastic syndrome. Identifiers: Orphanet 140162, MedGen C0027672, MeSH D009386, MONDO:0015356.
Hereditary breast ovarian cancer syndrome. Also called: Hereditary breast and ovarian cancer; Hereditary breast and ovarian cancer syndrome; Breast and ovarian cancer; Hereditary breast and ovarian cancer syndrome (HBOC); Hereditary breast and/or ovarian cancer syndrome; BRCA1- and BRCA2-Associated Hereditary Breast and Ovarian Cancer. Identifiers: Orphanet 145, MedGen C0677776, MeSH D061325, MONDO:0003582. Disease mechanism: loss of function.
Breast-ovarian cancer, familial, susceptibility to, 2 (BROVCA2). Also called: BRCA2 Hereditary Breast and Ovarian Cancer. Identifiers: Orphanet 145, MedGen C2675520, MONDO:0012933, OMIM 612555. Disease mechanism: loss of function.
Familial cancer of breast. Also called: BREAST CANCER, FAMILIAL; Hereditary breast cancer; hereditary breast carcinoma. Identifiers: Orphanet 227535, MedGen C0346153, MONDO:0016419, OMIM 114480. Disease mechanism: loss of function.
Malignant tumor of breast. Also called: Cancer breast; Malignant breast neoplasm. Identifiers: MedGen C0006142, MONDO:0007254. Disease mechanism: loss of function.

Allele frequency attached by ClinVar (database versions not stated): TOPMed below 0.00001; gnomAD exomes 0.00001 and 0.00002; ExAC 0.00003.
gnomAD v4.1: 10 of 1,614,234 alleles (0.00062%); highest among the groups gnomAD compares: Non-Finnish European, 0.00085%; no homozygotes.

Submissions (8):

Labcorp Genetics (formerly Invitae), Labcorp
Classification: Uncertain significance for Hereditary breast ovarian cancer syndrome. Last evaluated: 2025-12-16. Review status: criteria provided, single submitter. Criteria: Invitae Variant Classification Sherloc (09022015). Collection method: clinical testing. Allele origin: germline.
Comment: This sequence change replaces phenylalanine, which is neutral and non-polar, with leucine, which is neutral and non-polar, at codon 2638 of the BRCA2 protein (p.Phe2638Leu). This variant is present in population databases (rs764248927, gnomAD 0.004%). This missense change has been observed in individual(s) with breast cancer (PMID: 20104584). ClinVar contains an entry for this variant (Variation ID: 187565). Invitae Evidence Modeling of protein sequence and biophysical properties (such as structural, functional, and spatial information, amino acid conservation, physicochemical variation, residue mobility, and thermodynamic stability) indicates that this missense variant is not expected to disrupt BRCA2 protein function with a negative predictive value of 95%. In summary, the available evidence is currently insufficient to determine the role of this variant in disease. Therefore, it has been classified as a Variant of Uncertain Significance.

Ambry Genetics
Classification: Likely benign for Hereditary cancer-predisposing syndrome. Last evaluated: 2025-05-19. Review status: criteria provided, single submitter. Criteria: Ambry Variant Classification Scheme 2023. Collection method: clinical testing. Allele origin: germline.

Color Diagnostics, LLC DBA Color Health
Classification: Uncertain significance for Hereditary cancer-predisposing syndrome. Last evaluated: 2025-03-31. Review status: criteria provided, single submitter. Criteria: ACMG Guidelines, 2015. Collection method: clinical testing. Allele origin: germline.
Comment: This missense variant replaces phenylalanine with leucine at codon 2638 of the BRCA2 protein. Computational prediction suggests that this variant may have deleterious impact on protein structure and function. To our knowledge, functional studies have not been reported for this variant. This variant has been reported in an individual affected with breast cancer (PMID: 20104584). This variant has been identified in 4/251282 chromosomes in the general population by the Genome Aggregation Database (gnomAD). The available evidence is insufficient to determine the role of this variant in disease conclusively. Therefore, this variant is classified as a Variant of Uncertain Significance.

Baylor Genetics
Classification: Uncertain significance for Familial cancer of breast. Last evaluated: 2023-10-16. Review status: criteria provided, single submitter. Criteria: ACMG Guidelines, 2015. Collection method: clinical testing. Allele origin: unknown.

All of Us Research Program, National Institutes of Health
Classification: Uncertain significance for Breast-ovarian cancer, familial, susceptibility to, 2. Last evaluated: 2023-08-08. Review status: criteria provided, single submitter. Criteria: ACMG Guidelines, 2015. Collection method: clinical testing. Allele origin: germline. Inheritance: Autosomal dominant inheritance. Observed: 2 variant alleles, 2 heterozygotes.
Comment: This missense variant replaces phenylalanine with leucine at codon 2638 of the BRCA2 protein. Computational prediction suggests that this variant may have deleterious impact on protein structure and function (internally defined REVEL score threshold >= 0.7, PMID: 27666373). Splice site prediction tools suggest that this variant may not impact RNA splicing. To our knowledge, functional studies have not been performed for this variant. This variant has been reported in 1 individual affected with breast cancer (PMID: 20104584). This variant has been identified in 4/251282 chromosomes in the general population by the Genome Aggregation Database (gnomAD). The available evidence is insufficient to determine the role of this variant in disease conclusively. Therefore, this variant is classified as a Variant of Uncertain Significance.

This study involves interpretation of variants in research participants for the purpose of population health screening. Participant phenotype was not available at the time of variant classification. Additional details can be found in publication PMID: 35346344, PMCID: PMC8962531

GeneDx
Classification: Uncertain significance. Last evaluated: 2023-08-01. Review status: criteria provided, single submitter. Criteria: GeneDx Variant Classification Process June 2021. Collection method: clinical testing. Allele origin: germline. Affected: yes.
Comment: In silico analysis supports that this missense variant does not alter protein structure/function; Not observed at significant frequency in large population cohorts (gnomAD); Also known as 8142T>G; This variant is associated with the following publications: (PMID: 12228710, 20104584, 32377563, 29684080, 33471991)

BRCAlab, Lund University
Classification: Uncertain significance for Breast-ovarian cancer, familial, susceptibility to, 2. Last evaluated: 2020-03-02. Review status: no assertion criteria provided. Collection method: clinical testing. Allele origin: germline. Affected: yes. Not counted in ClinVar's aggregate classification.

Department of Pathology and Laboratory Medicine, Sinai Health System
Classification: Uncertain significance for Malignant tumor of breast. Review status: no assertion criteria provided. Collection method: clinical testing. Allele origin: unknown. Affected: yes. Study: The Canadian Open Genetics Repository (COGR). Not counted in ClinVar's aggregate classification.
Comment: The BRCA2 p.Phe2638Leu variant was identified in 1 of 4206 proband chromosomes (frequency: 0.0002) from individuals with breast cancer (Borg 2010). The variant was identified in dbSNP (rs764248927) as â€šÃ„Ãºwith uncertain significance alleleâ€šÃ„Ã¹ and ClinVar (classified as uncertain significance by Invitae, Ambry Genetics and GeneDx). The variant was not identified in LOVD 3.0 and UMD-LSDB. The variant was identified in control databases in 4 of 246,046 chromosomes at a frequency of 0.00002 (Genome Aggregation Database Feb 27, 2017). The variant was observed in the following population: European in 4 of 111,518 chromosomes (freq: 0.00004), but not in the African, Other, Latino, Ashkenazi Jewish, East Asian, Finnish or South Asian populations. The p.Phe2638 residue is conserved in mammals and computational analyses (PolyPhen-2, SIFT, AlignGVGD, BLOSUM, MutationTaster) provide inconsistent predictions regarding the impact to the protein; this information is not very predictive of pathogenicity. The variant occurs outside of the splicing consensus sequence and in silico or computational prediction software programs (SpliceSiteFinder, MaxEntScan, NNSPLICE, GeneSplicer) do not predict a difference in splicing. In summary, based on the above information, the clinical significance of this variant cannot be determined with certainty at this time. This variant is classified as a variant of uncertain significance.

Literature cited by the submitters: PubMed 20104584 (cited by 4 submitters); PubMed 29684080 (cited by Ambry Genetics); PubMed 33471991 (cited by Ambry Genetics).

NM_000059.4(BRCA2):c.7914T>G (p.Phe2638Leu)

Gene: BRCA2 (BRCA2 DNA repair associated; plus strand). Cytogenetic location: 13q13.1.
Variant type: single nucleotide variant.
Coding change: c.7914T>G on transcript NM_000059.4 (MANE Select); coding-DNA position 7914, T replaced by G.
Protein change: p.Phe2638Leu; replaces phenylalanine 2638 with leucine.
Molecular consequence: missense variant.
Genome position (GRCh38, 1-based): chr13:32,362,631, T>G. VCF-style: chr13-32362631-T-G. GRCh37 (hg19) VCF-style: chr13-32936768-T-G.
Other names: short protein forms F2638L.
Identifiers: ClinVar variation 187565 (VCV000187565.26), dbSNP rs764248927, ClinGen allele CA025332.
Genomic context (GRCh38, chr13:32,362,631, plus strand): 5'-TTGGGTTTATAATCACTATAGATGGATCATATGGAAACTGGCAGCTATGGAATGTGCCTT[T>G]CCTAAGGAATTTGCTAATAGATGCCTAAGCCCAGAAAGGGTGCTTCTTCAACTAAAATAC-3'
Protein context (NP_000050.3, residues 2628-2648): IWKLAAMECA[Phe2638Leu]PKEFANRCLS